The following is an entry in ClinVar:

NM_001371986.1(UNC80):c.9673G>A (p.Val3225Ile)

Gene: UNC80 (unc-80 subunit of NALCN channel complex; plus strand). Cytogenetic location: 2q34.
Variant type: single nucleotide variant.
Coding change: c.9673G>A on transcript NM_001371986.1 (MANE Select); coding-DNA position 9673, G replaced by A.
Protein change: p.Val3225Ile; replaces valine 3225 with isoleucine.
Molecular consequence: missense variant.
Genome position (GRCh38, 1-based): chr2:209,994,229, G>A. VCF-style: chr2-209994229-G-A. GRCh37 (hg19) VCF-style: chr2-210858953-G-A.
Other names: c.9475G>A, p.Val3159Ile (NM_032504.2); c.9403G>A, p.Val3135Ile (NM_182587.4); short protein forms V3225I, V3135I, V3159I.
Identifiers: ClinVar variation 2010075 (VCV002010075.4), dbSNP rs2471268509, ClinGen allele CA350416026.
Genomic context (GRCh38, chr2:209,994,229, plus strand): 5'-GCCCCTTCTAGGAAACCAGAAGCAATGGACGAACCAGTCCTCACATCTTCTCCCGCCATA[G>A]TTGTTGCGGATCTCCACAGCGTGTCTCCCAAGCAGGTGAGGGCACTAGAGAAACAGGCAA-3'
Protein context (NP_001358915.1, residues 3215-3235): EPVLTSSPAI[Val3225Ile]VADLHSVSPK

ClinVar aggregate classification (germline): Uncertain significance (1 of 4 stars; one submission).

Submission:

Labcorp Genetics (formerly Invitae), Labcorp
Classification: Uncertain significance. Last evaluated: 2022-06-24. Review status: criteria provided, single submitter. Criteria: Invitae Variant Classification Sherloc (09022015). Collection method: clinical testing. Allele origin: germline.
Comment: This sequence change replaces valine, which is neutral and non-polar, with isoleucine, which is neutral and non-polar, at codon 3159 of the UNC80 protein (p.Val3159Ile). This variant is not present in population databases (gnomAD no frequency). This variant has not been reported in the literature in individuals affected with UNC80-related conditions. Algorithms developed to predict the effect of missense changes on protein structure and function output the following: SIFT: "Not Available"; PolyPhen-2: "Benign"; Align-GVGD: "Not Available". The isoleucine amino acid residue is found in multiple mammalian species, which suggests that this missense change does not adversely affect protein function. In summary, the available evidence is currently insufficient to determine the role of this variant in disease. Therefore, it has been classified as a Variant of Uncertain Significance.